The following is an entry in ClinVar:

ClinVar aggregate classification (germline): Uncertain significance (0 of 4 stars; one submission).

Conditions:
PSAT deficiency. Identifiers: Orphanet 284417, MedGen C1970253, MONDO:0012596, OMIM 610992.
Neu-Laxova syndrome 2. Identifiers: Orphanet 2671, Orphanet 583602, MedGen C4015019, MONDO:0014466, OMIM 616038.

Submission:

Clinical Genomics Laboratory, Stanford Medicine
Classification: Uncertain significance for PSAT deficiency; Neu-Laxova syndrome 2. Last evaluated: 2019-11-21. Review status: no assertion criteria provided. Collection method: clinical testing. Allele origin: germline. Inheritance: Autosomal recessive inheritance. Affected: yes.
Comment: The p.Trp140Cys variant in the PSAT1 gene has not been previously reported in association with disease and was absent from large population databases, including the Genome Aggregation Database. Computational tools predict that this variant is deleterious; however, the accuracy of in silico algorithms is limited. These data were assessed using the ACMG/AMP variant interpretation guidelines. In summary, the significance of the p.Trp140Cys variant is uncertain. Additional information is needed to resolve the significance of this variant. [ACMG evidence codes used: PM2; PP3]

NM_058179.4(PSAT1):c.420G>T (p.Trp140Cys)

Gene: PSAT1 (phosphoserine aminotransferase 1; plus strand). Cytogenetic location: 9q21.2.
Variant type: single nucleotide variant.
Coding change: c.420G>T on transcript NM_058179.4 (MANE Select); coding-DNA position 420, G replaced by T.
Protein change: p.Trp140Cys; replaces tryptophan 140 with cysteine.
Molecular consequence: missense variant.
Genome position (GRCh38, 1-based): chr9:78,306,336, G>T. VCF-style: chr9-78306336-G-T. GRCh37 (hg19) VCF-style: chr9-80921252-G-T.
Other names: c.420G>T, p.Trp140Cys (NM_021154.5); short protein forms W140C.
Identifiers: ClinVar variation 976478 (VCV000976478.1), dbSNP rs1008314756, ClinGen allele CA373872935.
Genomic context (GRCh38, chr9:78,306,336, plus strand): 5'-TGAAAAGTGCAAAGTCTCAAACTTGTCTTCTGTGATAGAAATTCCAGATCCAAGCACCTG[G>T]AACCTCAACCCAGATGCCTCCTACGTGTATTATTGCGCAAATGAGACGGTGCATGGTGTG-3'
Protein context (NP_478059.1, residues 130-150): SYTKIPDPST[Trp140Cys]NLNPDASYVY